The following is an entry in ClinVar:

NM_005732.4(RAD50):c.2913C>G (p.Asp971Glu)

Gene: RAD50 (RAD50 double strand break repair protein; plus strand). Cytogenetic location: 5q31.1.
Variant type: single nucleotide variant.
Coding change: c.2913C>G on transcript NM_005732.4 (MANE Select); coding-DNA position 2913, C replaced by G.
Protein change: p.Asp971Glu; replaces aspartic acid 971 with glutamic acid.
Molecular consequence: missense variant.
Genome position (GRCh38, 1-based): chr5:132,609,200, C>G. VCF-style: chr5-132609200-C-G. GRCh37 (hg19) VCF-style: chr5-131944892-C-G.
Other names: short protein forms D971E.
Identifiers: ClinVar variation 233168 (VCV000233168.15), dbSNP rs374577419, ClinGen allele CA10578585.

ClinVar aggregate classification (germline): Conflicting classifications of pathogenicity. Review status: criteria provided, conflicting classifications (1 of 4 stars). 2 submissions from 2 submitters: Uncertain significance (1); Likely benign (1). Last evaluated 2024-11-05.

Conditions:
Hereditary cancer-predisposing syndrome. Also called: Neoplastic Syndromes, Hereditary; Tumor predisposition; Hereditary Cancer Syndrome; Hereditary neoplastic syndrome. Identifiers: Orphanet 140162, MedGen C0027672, MeSH D009386, MONDO:0015356.

Allele frequency attached by ClinVar (database versions not stated): gnomAD exomes below 0.00001 and 0.00001; gnomAD 0.00001; TOPMed 0.00002; ESP Exome Variant Server 0.00008.
gnomAD v4.1: 7 of 1,610,902 alleles (0.00043%); highest among the groups gnomAD compares: African/African-American, 0.0094%; no homozygotes.

Submissions (2):

Labcorp Genetics (formerly Invitae), Labcorp
Classification: Uncertain significance for Hereditary cancer-predisposing syndrome. Last evaluated: 2024-11-05. Review status: criteria provided, single submitter. Criteria: Invitae Variant Classification Sherloc (09022015). Collection method: clinical testing. Allele origin: germline.
Comment: This sequence change replaces aspartic acid, which is acidic and polar, with glutamic acid, which is acidic and polar, at codon 971 of the RAD50 protein (p.Asp971Glu). This variant is present in population databases (rs374577419, gnomAD 0.01%). This variant has not been reported in the literature in individuals affected with RAD50-related conditions. ClinVar contains an entry for this variant (Variation ID: 233168). Invitae Evidence Modeling of protein sequence and biophysical properties (such as structural, functional, and spatial information, amino acid conservation, physicochemical variation, residue mobility, and thermodynamic stability) indicates that this missense variant is not expected to disrupt RAD50 protein function with a negative predictive value of 80%. In summary, the available evidence is currently insufficient to determine the role of this variant in disease. Therefore, it has been classified as a Variant of Uncertain Significance.

Ambry Genetics
Classification: Likely benign for Hereditary cancer-predisposing syndrome. Last evaluated: 2024-03-28. Review status: criteria provided, single submitter. Criteria: Ambry Variant Classification Scheme 2023. Collection method: clinical testing. Allele origin: germline.